The following is an entry in ClinVar:

NM_000218.3(KCNQ1):c.1394-17947C>T

Genes: KCNQ1 (potassium voltage-gated channel subfamily Q member 1; plus strand), KCNQ1OT1 (KCNQ1 opposite strand/antisense transcript 1; minus strand). Cytogenetic location: 11p15.5.
Variant type: single nucleotide variant.
Coding change: c.1394-17947C>T on transcript NM_000218.3 (MANE Select); 17947 bases into the intron before coding-DNA position 1394, C replaced by T.
Molecular consequence: intron variant. On other transcripts: non-coding transcript variant (1).
Genome position (GRCh38, 1-based): chr11:2,644,014, C>T. VCF-style: chr11-2644014-C-T. GRCh37 (hg19) VCF-style: chr11-2665244-C-T.
Other names: c.1124-17947C>T (NM_001406837.1); c.1298-17947C>T (NM_001406836.1); c.854-17947C>T (NM_001406838.1); c.1013-17947C>T (NM_181798.2).
Identifiers: ClinVar variation 3771821 (VCV003771821.13).

ClinVar aggregate classification (germline): Likely benign (1 of 4 stars; one submission).

gnomAD v4.1: 37 of 398,458 alleles (0.0093%); highest among the groups gnomAD compares: South Asian, 0.4%; no homozygotes.

Submission:

CeGaT Center for Human Genetics Tuebingen
Classification: Likely benign. Last evaluated: 2025-01-01. Review status: criteria provided, single submitter. Criteria: CeGaT Center For Human Genetics Tuebingen Variant Classification Criteria Version 2. Collection method: clinical testing. Allele origin: germline. Affected: yes. Observed: 1 variant allele.
Comment: KCNQ1OT1: BS1